The following is an entry in ClinVar:

NM_024675.4(PALB2):c.419A>C (p.Lys140Thr)

Gene: PALB2 (partner and localizer of BRCA2; minus strand). Cytogenetic location: 16p12.2.
Variant type: single nucleotide variant.
Coding change: c.419A>C on transcript NM_024675.4 (MANE Select); coding-DNA position 419, A replaced by C.
Protein change: p.Lys140Thr; replaces lysine 140 with threonine.
Molecular consequence: missense variant. On other transcripts: 5 prime UTR variant (8), intron variant (3).
Genome position (GRCh38, 1-based): chr16:23,636,127, T>G on the plus strand (A>C on the coding strand, the complement: PALB2 is on the minus strand). VCF-style: chr16-23636127-T-G. GRCh37 (hg19) VCF-style: chr16-23647448-T-G.
Other names: c.359A>C, p.Lys120Thr (NM_001407296.1); c.419A>C, p.Lys140Thr (NM_001407297.1, NM_001407298.1, NM_001407299.1 and 3 more transcripts); c.-467A>C (NM_001407304.1, NM_001407305.1, NM_001407306.1 and 5 more transcripts); c.48+4983A>C (NM_001407314.1); c.-105+4983A>C (NM_001407313.1, NM_001407312.1); short protein forms K140T, K120T.
Identifiers: ClinVar variation 3644256 (VCV003644256.2).
Genomic context (GRCh38, chr16:23,636,127, plus strand): 5'-CTCTCCTGTGAAATAAATGTCCTCTTCTGCTGCTTCTTTCTTCTGCTTGGCAGCTTCTGC[T>G]TTTGCTCACCACTAGGGTCACTGACCCTGTGGGGAAAATGTTCTTGGGTGTCATCTGTTC-3'
Protein context (NP_078951.2, residues 130-150): HRVSDPSGEQ[Lys140Thr]QKLPSRRKKQ

ClinVar aggregate classification (germline): Uncertain significance (1 of 4 stars; one submission).

Conditions:
Familial cancer of breast. Also called: hereditary breast carcinoma; BREAST CANCER, FAMILIAL; Hereditary breast cancer. Identifiers: Orphanet 227535, MedGen C0346153, MONDO:0016419, OMIM 114480. Disease mechanism: loss of function.

Submission:

Labcorp Genetics (formerly Invitae), Labcorp
Classification: Uncertain significance for Familial cancer of breast. Last evaluated: 2024-03-03. Review status: criteria provided, single submitter. Criteria: Invitae Variant Classification Sherloc (09022015). Collection method: clinical testing. Allele origin: germline.
Comment: This sequence change replaces lysine, which is basic and polar, with threonine, which is neutral and polar, at codon 140 of the PALB2 protein (p.Lys140Thr). This variant is not present in population databases (gnomAD no frequency). This variant has not been reported in the literature in individuals affected with PALB2-related conditions. An algorithm developed to predict the effect of missense changes on protein structure and function (PolyPhen-2) suggests that this variant is likely to be tolerated. In summary, the available evidence is currently insufficient to determine the role of this variant in disease. Therefore, it has been classified as a Variant of Uncertain Significance.